The following is an entry in ClinVar:

NM_052874.5(STX1B):c.787-34C>G

Gene: STX1B (syntaxin 1B; minus strand). Cytogenetic location: 16p11.2.
Variant type: single nucleotide variant.
Coding change: c.787-34C>G on transcript NM_052874.5 (MANE Select); 34 bases into the intron before coding-DNA position 787, C replaced by G.
Molecular consequence: intron variant.
Genome position (GRCh38, 1-based): chr16:30,992,935, G>C on the plus strand (C>G on the coding strand, the complement: STX1B is on the minus strand). VCF-style: chr16-30992935-G-C. GRCh37 (hg19) VCF-style: chr16-31004256-G-C.
Identifiers: ClinVar variation 5030336 (VCV005030336.1).

ClinVar aggregate classification (germline): Uncertain significance (1 of 4 stars; one submission).

Conditions:
Inborn genetic diseases. Identifiers: MedGen C0950123, MeSH D030342.

Submission:

Ambry Genetics
Classification: Uncertain significance for Inborn genetic diseases. Last evaluated: 2026-08-13. Review status: criteria provided, single submitter. Criteria: Ambry Variant Classification Scheme 2023. Collection method: clinical testing. Allele origin: germline.
Comment: The c.787-34C>G intronic variant consists of a C to G substitution 34 nucleotides before exon 10 (coding exon 10) in the STX1B gene. This variant was not reported in population-based cohorts in the Genome Aggregation Database (gnomAD). This nucleotide position is well conserved in available vertebrate species. In silico splice site analysis predicts that this alteration may weaken the native splice acceptor site and will result in the creation or strengthening of a novel splice acceptor site. Based on insufficient or conflicting evidence, the clinical significance of this alteration remains unclear.